The following is an entry in ClinVar:

NM_013352.4(DSE):c.277G>A (p.Asp93Asn)

Gene: DSE (dermatan sulfate epimerase; plus strand). Cytogenetic location: 6q22.1.
Variant type: single nucleotide variant.
Coding change: c.277G>A on transcript NM_013352.4 (MANE Select); coding-DNA position 277, G replaced by A.
Protein change: p.Asp93Asn; replaces aspartic acid 93 with asparagine.
Molecular consequence: missense variant. On other transcripts: 5 prime UTR variant (4), non-coding transcript variant (1).
Genome position (GRCh38, 1-based): chr6:116,399,527, G>A. VCF-style: chr6-116399527-G-A. GRCh37 (hg19) VCF-style: chr6-116720690-G-A.
Other names: c.277G>A, p.Asp93Asn (NM_001080976.3, NM_001322937.2, NM_001322938.2 and 3 more transcripts); c.334G>A, p.Asp112Asn (NM_001322939.2); c.-281G>A (NM_001322940.2, NM_001322941.2); c.-624G>A (NM_001374520.1); c.-311G>A (NM_001374521.1); short protein forms D112N, D93N.
Identifiers: ClinVar variation 1055608 (VCV001055608.10), dbSNP rs2114995361, ClinGen allele CA365534441.

ClinVar aggregate classification (germline): Uncertain significance (1 of 4 stars; one submission).

Conditions:
Ehlers-Danlos syndrome, musculocontractural type 2 (EDSMC2). Identifiers: Orphanet 2953, MedGen C3809845, MONDO:0014236, OMIM 615539.

Submission:

Labcorp Genetics (formerly Invitae), Labcorp
Classification: Uncertain significance for Ehlers-Danlos syndrome, musculocontractural type 2. Last evaluated: 2022-08-19. Review status: criteria provided, single submitter. Criteria: Invitae Variant Classification Sherloc (09022015). Collection method: clinical testing. Allele origin: germline.
Comment: In summary, the available evidence is currently insufficient to determine the role of this variant in disease. Therefore, it has been classified as a Variant of Uncertain Significance. Algorithms developed to predict the effect of missense changes on protein structure and function are either unavailable or do not agree on the potential impact of this missense change (SIFT: "Not Available"; PolyPhen-2: "Benign"; Align-GVGD: "Not Available"). ClinVar contains an entry for this variant (Variation ID: 1055608). This variant has not been reported in the literature in individuals affected with DSE-related conditions. This variant is not present in population databases (gnomAD no frequency). This sequence change replaces aspartic acid, which is acidic and polar, with asparagine, which is neutral and polar, at codon 93 of the DSE protein (p.Asp93Asn).